The following is an entry in ClinVar:

ClinVar aggregate classification (germline): Uncertain significance (1 of 4 stars; one submission).

Submission:

Labcorp Genetics (formerly Invitae), Labcorp
Classification: Uncertain significance. Last evaluated: 2022-03-13. Review status: criteria provided, single submitter. Criteria: Invitae Variant Classification Sherloc (09022015). Collection method: clinical testing. Allele origin: germline.
Comment: Algorithms developed to predict the effect of missense changes on protein structure and function are either unavailable or do not agree on the potential impact of this missense change (SIFT: "Tolerated"; PolyPhen-2: "Possibly Damaging"; Align-GVGD: "Class C0"). In summary, the available evidence is currently insufficient to determine the role of this variant in disease. Therefore, it has been classified as a Variant of Uncertain Significance. This sequence change replaces asparagine, which is neutral and polar, with tyrosine, which is neutral and polar, at codon 776 of the TNFAIP3 protein (p.Asn776Tyr). This variant is not present in population databases (gnomAD no frequency). This variant has not been reported in the literature in individuals affected with TNFAIP3-related conditions.

NM_001270508.2(TNFAIP3):c.2326A>T (p.Asn776Tyr)

Gene: TNFAIP3 (TNF alpha induced protein 3; plus strand). Cytogenetic location: 6q23.3.
Variant type: single nucleotide variant.
Coding change: c.2326A>T on transcript NM_001270508.2 (MANE Select); coding-DNA position 2326, A replaced by T.
Protein change: p.Asn776Tyr; replaces asparagine 776 with tyrosine.
Molecular consequence: missense variant.
Genome position (GRCh38, 1-based): chr6:137,881,272, A>T. VCF-style: chr6-137881272-A-T. GRCh37 (hg19) VCF-style: chr6-138202409-A-T.
Other names: c.2326A>T, p.Asn776Tyr (NM_001270507.2, NM_006290.4); short protein forms N776Y.
Identifiers: ClinVar variation 2086903 (VCV002086903.4), dbSNP rs1402112172, ClinGen allele CA365798207.
Genomic context (GRCh38, chr6:137,881,272, plus strand): 5'-GACCCCCCCAAGCAGCGTTGCCGGGCCCCCGCCTGTGATCATTTTGGCAATGCCAAGTGC[A>T]ACGGCTACTGCAACGAATGCTTTCAGTTCAAGCAGATGTATGGCTAACCGGAAACAGGTG-3'
Protein context (NP_001257437.1, residues 766-786): ACDHFGNAKC[Asn776Tyr]GYCNECFQFK